The following is an entry in ClinVar:

NM_001365276.2(TNXB):c.6632G>C (p.Ser2211Thr)

Gene: TNXB (tenascin XB; minus strand). Cytogenetic location: 6p21.33.
Variant type: single nucleotide variant.
Coding change: c.6632G>C on transcript NM_001365276.2 (MANE Select); coding-DNA position 6632, G replaced by C.
Protein change: p.Ser2211Thr; replaces serine 2211 with threonine.
Molecular consequence: missense variant.
Genome position (GRCh38, 1-based): chr6:32,065,030, C>G on the plus strand (G>C on the coding strand, the complement: TNXB is on the minus strand). VCF-style: chr6-32065030-C-G. GRCh37 (hg19) VCF-style: chr6-32032807-C-G.
Other names: c.6632G>C, p.Ser2211Thr (NM_019105.8); short protein forms S2211T.
Identifiers: ClinVar variation 1754579 (VCV001754579.3), dbSNP rs748648083, ClinGen allele CA3734369.

ClinVar aggregate classification (germline): Uncertain significance. Review status: criteria provided, multiple submitters, no conflicts (2 of 4 stars). 2 submissions from 2 submitters: Uncertain significance (2). Last evaluated 2024-06-26.

Conditions:
Cardiovascular phenotype. Identifiers: MedGen CN230736.

Allele frequency attached by ClinVar (database versions not stated): gnomAD exomes 0.00003; ExAC 0.00005; TOPMed 0.00025; gnomAD 0.00035; 1000 Genomes Project 30x 0.00047.
gnomAD v4.1: 91 of 1,608,714 alleles (0.0057%); highest among the groups gnomAD compares: Admixed American, 0.13%; 4 homozygotes.

Submissions (2):

GeneDx
Classification: Uncertain significance. Last evaluated: 2024-06-26. Review status: criteria provided, single submitter. Criteria: GeneDx Variant Classification Process June 2021. Collection method: clinical testing. Allele origin: germline. Affected: yes.
Comment: Has not been previously published as pathogenic or benign to our knowledge; In silico analysis indicates that this missense variant does not alter protein structure/function

Ambry Genetics
Classification: Uncertain significance for Cardiovascular phenotype. Last evaluated: 2024-03-14. Review status: criteria provided, single submitter. Criteria: Ambry Variant Classification Scheme 2023. Collection method: clinical testing. Allele origin: germline.
Comment: The p.S2211T variant (also known as c.6632G>C), located in coding exon 18 of the TNXB gene, results from a G to C substitution at nucleotide position 6632. The serine at codon 2211 is replaced by threonine, an amino acid with similar properties. This amino acid position is poorly conserved in available vertebrate species. In addition, this alteration is predicted to be tolerated by in silico analysis. Since supporting evidence is limited at this time, the clinical significance of this alteration remains unclear.